The following is an entry in ClinVar:

NM_001126108.2(SLC12A3):c.2037+4A>G

Gene: SLC12A3 (solute carrier family 12 member 3; plus strand). Cytogenetic location: 16q13.
Variant type: single nucleotide variant.
Coding change: c.2037+4A>G on transcript NM_001126108.2 (MANE Select); 4 bases into the intron after coding-DNA position 2037, A replaced by G.
Molecular consequence: intron variant.
Genome position (GRCh38, 1-based): chr16:56,886,479, A>G. VCF-style: chr16-56886479-A-G. GRCh37 (hg19) VCF-style: chr16-56920391-A-G.
Other names: c.2037+4A>G (NM_000339.3); c.2034+4A>G (NM_001126107.2).
Identifiers: ClinVar variation 2195038 (VCV002195038.2), dbSNP rs763517026, ClinGen allele CA8069694.

ClinVar aggregate classification (germline): Uncertain significance (1 of 4 stars; one submission).

Allele frequency attached by ClinVar (database versions not stated): gnomAD exomes below 0.00001; gnomAD 0.00001; TOPMed 0.00001; ExAC 0.00002.
gnomAD v4.1: 5 of 1,611,260 alleles (0.00031%); highest among the groups gnomAD compares: Non-Finnish European, 0.00042%; no homozygotes.

Submission:

Labcorp Genetics (formerly Invitae), Labcorp
Classification: Uncertain significance. Last evaluated: 2022-05-04. Review status: criteria provided, single submitter. Criteria: Invitae Variant Classification Sherloc (09022015). Collection method: clinical testing. Allele origin: germline.
Comment: This sequence change falls in intron 16 of the SLC12A3 gene. It does not directly change the encoded amino acid sequence of the SLC12A3 protein. It affects a nucleotide within the consensus splice site. This variant is present in population databases (rs763517026, gnomAD 0.002%). This variant has been observed in individual(s) with Gitelman syndrome (PMID: 22009145). Variants that disrupt the consensus splice site are a relatively common cause of aberrant splicing (PMID: 17576681, 9536098). Algorithms developed to predict the effect of sequence changes on RNA splicing suggest that this variant may disrupt the consensus splice site. In summary, the available evidence is currently insufficient to determine the role of this variant in disease. Therefore, it has been classified as a Variant of Uncertain Significance.

Literature cited by the submitters: PubMed 22009145; PubMed 17576681; PubMed 9536098.